The following is an entry in ClinVar:

ClinVar aggregate classification (germline): Likely benign. Review status: criteria provided, multiple submitters, no conflicts (2 of 4 stars). 2 submissions from 2 submitters: Likely benign (2). Last evaluated 2026-02-03.

Allele frequency attached by ClinVar (database versions not stated): gnomAD exomes 0.00003; ExAC 0.00005; TOPMed 0.00015; gnomAD 0.00025 and 0.00028.

Submissions (2):

Labcorp Genetics (formerly Invitae), Labcorp
Classification: Likely benign. Last evaluated: 2026-02-03. Review status: criteria provided, single submitter. Criteria: Invitae Variant Classification Sherloc (09022015). Collection method: clinical testing. Allele origin: germline.

CeGaT Center for Human Genetics Tuebingen
Classification: Likely benign. Last evaluated: 2023-08-01. Review status: criteria provided, single submitter. Criteria: CeGaT Center For Human Genetics Tuebingen Variant Classification Criteria Version 2. Collection method: clinical testing. Allele origin: germline. Affected: yes. Observed: 2 variant alleles.
Comment: KCNK4: BP4, BP7

NM_033310.3(KCNK4):c.1137G>T (p.Arg379=)

Genes: KCNK4 (potassium two pore domain channel subfamily K member 4; plus strand), KCNK4-CATSPERZ (KCNK4-CATSPERZ readthrough (NMD candidate); plus strand). Cytogenetic location: 11q13.1.
Variant type: single nucleotide variant.
Coding change: c.1137G>T on transcript NM_033310.3 (MANE Select); coding-DNA position 1137, G replaced by T.
Protein change: p.Arg379=; no amino-acid change (arginine 379 retained).
Molecular consequence: synonymous variant. On other transcripts: non-coding transcript variant (3).
Genome position (GRCh38, 1-based): chr11:64,299,681, G>T. VCF-style: chr11-64299681-G-T. GRCh37 (hg19) VCF-style: chr11-64067153-G-T.
Other names: c.1137G>T, p.Arg379= (NM_001317090.2).
Identifiers: ClinVar variation 1598391 (VCV001598391.32), dbSNP rs775562817, ClinGen allele CA6073259.
Genomic context (GRCh38, chr11:64,299,681, plus strand): 5'-CCCGCTGCCCCGCGCGCCGAGAGGTCGCCGCCGCCCAAATCCCCCCAGGAAGCCCGTGCG[G>T]CCCCGCGGCCCCGGGCGTCCCCGAGACAAAGGCGTGCCGGTGTAGGGGCAGGATCCCTGG-3'
Protein context (NP_201567.1, residues 369-389): RRPNPPRKPV[Arg379=]PRGPGRPRDK